The following is an entry in ClinVar:

NM_001292063.2(OTOG):c.6038G>A (p.Arg2013His)

Gene: OTOG (otogelin; plus strand). Cytogenetic location: 11p15.1.
Variant type: single nucleotide variant.
Coding change: c.6038G>A on transcript NM_001292063.2 (MANE Select); coding-DNA position 6038, G replaced by A.
Protein change: p.Arg2013His; replaces arginine 2013 with histidine.
Molecular consequence: missense variant.
Genome position (GRCh38, 1-based): chr11:17,611,338, G>A. VCF-style: chr11-17611338-G-A. GRCh37 (hg19) VCF-style: chr11-17632885-G-A.
Other names: c.6074G>A, p.Arg2025His (NM_001277269.2); short protein forms R2013H, R2025H.
Identifiers: ClinVar variation 2140545 (VCV002140545.5), dbSNP rs758497287, ClinGen allele CA218477384.
Genomic context (GRCh38, chr11:17,611,338, plus strand): 5'-CGGCAGGGCCTCACCTGGCAGCAGAGCCGGTGGACGAGGCCACCACAGAACCATCTGGGC[G>A]CTCAGCCCCAGCCCTGAGCATCGTAGAGGGTTTGGCGGAGGCTTTGGCAACTACCACTGA-3'
Protein context (NP_001278992.1, residues 2003-2023): VDEATTEPSG[Arg2013His]SAPALSIVEG

ClinVar aggregate classification (germline): Uncertain significance. Review status: criteria provided, multiple submitters, no conflicts (2 of 4 stars). 2 submissions from 2 submitters: Uncertain significance (2). Last evaluated 2022-05-13.

Allele frequency attached by ClinVar (database versions not stated): gnomAD exomes 0.00004.
gnomAD v4.1: 58 of 1,550,366 alleles (0.0037%); highest among the groups gnomAD compares: East Asian, 0.0098%; no homozygotes.

Submissions (2):

Labcorp Genetics (formerly Invitae), Labcorp
Classification: Uncertain significance. Last evaluated: 2022-05-13. Review status: criteria provided, single submitter. Criteria: Invitae Variant Classification Sherloc (09022015). Collection method: clinical testing. Allele origin: germline.
Comment: This sequence change replaces arginine, which is basic and polar, with histidine, which is basic and polar, at codon 2025 of the OTOG protein (p.Arg2025His). This variant is present in population databases (rs758497287, gnomAD 0.004%). This variant has not been reported in the literature in individuals affected with OTOG-related conditions. Algorithms developed to predict the effect of missense changes on protein structure and function output the following: SIFT: "Tolerated"; PolyPhen-2: "Benign"; Align-GVGD: "Class C0". The histidine amino acid residue is found in multiple mammalian species, which suggests that this missense change does not adversely affect protein function. In summary, the available evidence is currently insufficient to determine the role of this variant in disease. Therefore, it has been classified as a Variant of Uncertain Significance.

Blueprint Genetics
Classification: Uncertain significance. Last evaluated: 2022-02-16. Review status: criteria provided, single submitter. Criteria: ACMG Guidelines, 2015. Collection method: clinical testing. Allele origin: germline.